The following is an entry in ClinVar:

ClinVar aggregate classification (germline): Uncertain significance. Review status: criteria provided, single submitter (1 of 4 stars). 2 submissions from 2 submitters: Uncertain significance (1). 1 of the submissions does not count toward it. Last evaluated 2024-02-08.

Conditions:
RAI1-related disorder. Also called: RAI1-related condition.
Smith-Magenis syndrome (SMS). Also called: CHROMOSOME 17p11.2 DELETION SYNDROME. Identifiers: Orphanet 819, MedGen C0795864, MONDO:0008434, OMIM 182290.

Allele frequency attached by ClinVar (database versions not stated): gnomAD exomes below 0.00001.
gnomAD v4.1: 2 of 1,613,154 alleles (0.00012%); highest among the groups gnomAD compares: Non-Finnish European, 0.00017%; no homozygotes.

Submissions (2):

Fulgent Genetics
Classification: Uncertain significance for Smith-Magenis syndrome. Last evaluated: 2024-02-08. Review status: criteria provided, single submitter. Criteria: ACMG Guidelines, 2015. Collection method: clinical testing. Allele origin: germline.

PreventionGenetics, part of Exact Sciences
Classification: Uncertain significance for RAI1-related condition. Last evaluated: 2024-05-02. Review status: no assertion criteria provided. Collection method: clinical testing. Allele origin: germline. Not counted in ClinVar's aggregate classification.
Comment: The RAI1 c.4463G>T variant is predicted to result in the amino acid substitution p.Ser1488Ile. To our knowledge, this variant has not been reported in the literature or in a large population database, indicating this variant is rare. At this time, the clinical significance of this variant is uncertain due to the absence of conclusive functional and genetic evidence.

NM_030665.4(RAI1):c.4463G>T (p.Ser1488Ile)

Gene: RAI1 (retinoic acid induced 1; plus strand). Cytogenetic location: 17p11.2.
Variant type: single nucleotide variant.
Coding change: c.4463G>T on transcript NM_030665.4 (MANE Select); coding-DNA position 4463, G replaced by T.
Protein change: p.Ser1488Ile; replaces serine 1488 with isoleucine.
Molecular consequence: missense variant.
Genome position (GRCh38, 1-based): chr17:17,797,411, G>T. VCF-style: chr17-17797411-G-T. GRCh37 (hg19) VCF-style: chr17-17700725-G-T.
Other names: short protein forms S1488I.
Identifiers: ClinVar variation 2631149 (VCV002631149.3), dbSNP rs2543619825, ClinGen allele CA398556649.
Genomic context (GRCh38, chr17:17,797,411, plus strand): 5'-ATCTTGGCCCGGCTCTGCTCCTGACTCCCCGAGACAGGGCCAGTGGCACACAAGGGGCCA[G>T]TGAGGACAACTCTGGTGGAGGAGGCAAGAAGCCAAAGATGGAGGAGCTGGGCCTGGCCTC-3'
Protein context (NP_109590.3, residues 1478-1498): RDRASGTQGA[Ser1488Ile]EDNSGGGGKK